The following is an entry in ClinVar:

NM_205768.3(ZBTB18):c.579G>A (p.Trp193Ter)

Gene: ZBTB18 (zinc finger and BTB domain containing 18; plus strand). Cytogenetic location: 1q44.
Variant type: single nucleotide variant.
Coding change: c.579G>A on transcript NM_205768.3 (MANE Select); coding-DNA position 579, G replaced by A.
Protein change: p.Trp193Ter; replaces tryptophan 193 with a stop codon.
Molecular consequence: nonsense.
Genome position (GRCh38, 1-based): chr1:244,054,353, G>A. VCF-style: chr1-244054353-G-A. GRCh37 (hg19) VCF-style: chr1-244217655-G-A.
Other names: c.552G>A, p.Trp184Ter (NM_001278196.2, NM_006352.5); short protein forms W184*, W193*.
Identifiers: ClinVar variation 1333608 (VCV001333608.1), dbSNP rs2148556497, ClinGen allele CA345673238.
Genomic context (GRCh38, chr1:244,054,353, plus strand): 5'-TGAAAAATTGAACATCCTGCCCAGCAAAAGGGACTTGGCGGCCGAGCCTGGGAACATGTG[G>A]ATGCGATTGCCCTCAGACTCAGCAGGCATCCCCCAGGCTGGCGGAGAGGCAGAGCCACAC-3'

ClinVar aggregate classification (germline): Pathogenic (1 of 4 stars; one submission).

Conditions:
Intellectual developmental disorder, autosomal dominant 22. Also called: Intellectual disability, autosomal dominant 22. Identifiers: MedGen CN029689, MONDO:0012869, OMIM 612337.

Submission:

3billion
Classification: Pathogenic for Intellectual developmental disorder, autosomal dominant 22. Last evaluated: 2022-01-03. Review status: criteria provided, single submitter. Criteria: ACMG Guidelines, 2015. Collection method: clinical testing. Allele origin: germline. Affected: yes. Observed: 1 heterozygote.
Comment: Stop-gained (nonsense): predicted to result in a loss or disruption of normal protein function through protein truncation. Multiple pathogenic variants are reported in the predicted truncated region (PVS1_VS). The variant has been reported to be associated with ZBTB18 related disorder (PMID:29573576). It is not observed in the gnomAD v2.1.1 dataset (PM2_M). The variant was observed to be de novo (3billion dataset, PS2_S). Therefore, this variant is classified as pathogenic according to the recommendation of ACMG/AMP guideline.

Literature cited by the submitters: PubMed 29573576.